The following is an entry in ClinVar:

ClinVar aggregate classification (germline): Uncertain significance. Review status: criteria provided, multiple submitters, no conflicts (2 of 4 stars). 3 submissions from 3 submitters: Uncertain significance (3). Last evaluated 2026-04-10.

Conditions:
Cardiovascular phenotype. Identifiers: MedGen CN230736.

Allele frequency attached by ClinVar (database versions not stated): gnomAD exomes below 0.00001; ExAC 0.00001; gnomAD 0.00002; TOPMed 0.00002.
gnomAD v4.1: 9 of 1,613,036 alleles (0.00056%); highest among the groups gnomAD compares: Admixed American, 0.0067%; no homozygotes.

Submissions (3):

Women's Health and Genetics/Laboratory Corporation of America, LabCorp
Classification: Uncertain significance. Last evaluated: 2026-04-10. Review status: criteria provided, single submitter. Criteria: LabCorp Variant Classification Summary - May 2015. Collection method: clinical testing. Allele origin: germline.

GeneDx
Classification: Uncertain significance. Last evaluated: 2022-04-28. Review status: criteria provided, single submitter. Criteria: GeneDx Variant Classification Process June 2021. Collection method: clinical testing. Allele origin: germline. Affected: yes.
Comment: Has not been previously published as pathogenic or benign to our knowledge; Not observed at significant frequency in large population cohorts (gnomAD); Missense variant in a gene in which most reported pathogenic variants are truncating/loss of function; Located within the A-band region of titin

Ambry Genetics
Classification: Uncertain significance for Cardiovascular phenotype. Last evaluated: 2019-09-19. Review status: criteria provided, single submitter. Criteria: Ambry Variant Classification Scheme 2023. Collection method: clinical testing. Allele origin: germline.
Comment: The p.T12250N variant (also known as c.36749C>A), located in coding exon 134 of the TTN gene, results from a C to A substitution at nucleotide position 36749. The threonine at codon 12250 is replaced by asparagine, an amino acid with similar properties. This amino acid position is not well conserved in available vertebrate species, and asparagine is the reference amino acid in other vertebrate species. In addition, this alteration is predicted to be tolerated by in silico analysis. Since supporting evidence is limited at this time, the clinical significance of this alteration remains unclear.

NM_001267550.2(TTN):c.63944C>A (p.Thr21315Asn)

Genes: TTN (titin; minus strand), TTN-AS1 (TTN antisense RNA 1; plus strand). Cytogenetic location: 2q31.2.
Variant type: single nucleotide variant.
Coding change: c.63944C>A on transcript NM_001267550.2 (MANE Select); coding-DNA position 63944, C replaced by A.
Protein change: p.Thr21315Asn; replaces threonine 21315 with asparagine.
Molecular consequence: missense variant.
Genome position (GRCh38, 1-based): chr2:178,587,267, G>T on the plus strand (C>A on the coding strand, the complement: TTN is on the minus strand). VCF-style: chr2-178587267-G-T. GRCh37 (hg19) VCF-style: chr2-179451994-G-T.
Other names: c.59021C>A, p.Thr19674Asn (NM_001256850.1); c.36749C>A, p.Thr12250Asn (NM_003319.4); c.56240C>A, p.Thr18747Asn (NM_133378.4); c.37124C>A, p.Thr12375Asn (NM_133432.3); c.37325C>A, p.Thr12442Asn (NM_133437.4); short protein forms T12250N, T12375N, T12442N, T18747N, T19674N, T21315N.
Identifiers: ClinVar variation 1723002 (VCV001723002.5), dbSNP rs747246624, ClinGen allele CA1991994.